The following is an entry in ClinVar:

NM_001286445.3(RIPOR2):c.252G>A (p.Met84Ile)

Gene: RIPOR2 (RHO family interacting cell polarization regulator 2; minus strand). Cytogenetic location: 6p22.3.
Variant type: single nucleotide variant.
Coding change: c.252G>A on transcript NM_001286445.3 (MANE Select); coding-DNA position 252, G replaced by A.
Protein change: p.Met84Ile; replaces methionine 84 with isoleucine.
Molecular consequence: missense variant.
Genome position (GRCh38, 1-based): chr6:24,873,736, C>T on the plus strand (G>A on the coding strand, the complement: RIPOR2 is on the minus strand). VCF-style: chr6-24873736-C-T. GRCh37 (hg19) VCF-style: chr6-24873964-C-T.
Other names: c.267G>A, p.Met89Ile (NM_001286446.3); c.165G>A, p.Met55Ile (NM_001286447.2, NM_001346031.2, NM_001346032.2 and 2 more transcripts); short protein forms M84I, M89I, M55I.
Identifiers: ClinVar variation 4991679 (VCV004991679.1).

ClinVar aggregate classification (germline): Uncertain significance (1 of 4 stars; one submission).

Conditions:
RIPOR2-related disorder. Also called: RIPOR2-related condition.

gnomAD v4.1: 4 of 1,613,488 alleles (0.00025%); highest among the groups gnomAD compares: Non-Finnish European, 0.00034%; no homozygotes.

Submission:

PreventionGenetics, part of Exact Sciences
Classification: Uncertain significance for RIPOR2-related condition. Last evaluated: 2026-03-14. Review status: criteria provided, single submitter. Criteria: ACMG Guidelines, 2015. Collection method: clinical testing. Allele origin: germline.
Comment: The RIPOR2 c.165G>A variant is predicted to result in the amino acid substitution p.Met55Ile. To our knowledge, this variant has not been reported in the literature or in a large population database (gnomAD), indicating this variant is rare. At this time, the clinical significance of this variant is uncertain due to the absence of conclusive functional and genetic evidence.